The following is an entry in ClinVar:

ClinVar aggregate classification (germline): Likely pathogenic (1 of 4 stars; one submission).

Conditions:
Bone marrow hypocellularity. Identifiers: MedGen C1855710, HP:0005528.
Pancytopenia. Identifiers: MedGen C0030312, MONDO:0001529, HP:0001876.

Submission:

Bone Marrow Failure laboratory, Queen Mary University London
Classification: Likely pathogenic for Pancytopenia; Bone marrow hypocellularity. Last evaluated: 2021-05-11. Review status: criteria provided, single submitter. Criteria: ACMG Guidelines, 2015. Collection method: research. Allele origin: germline. Affected: yes.
Comment: The following ACMG/AMP criteria were used for both variants: PVS1, PM2, PP3 and PP1.

Literature cited by the submitters: PubMed 29987015.

NM_020207.7:c.[3409_3410delAT];[3763C>T]

Variant type: CompoundHeterozygote.
Identifiers: ClinVar variation 1174153 (VCV001174153.2).